The following is an entry in ClinVar:

ClinVar aggregate classification (germline): Likely benign (1 of 4 stars; one submission).

Allele frequency attached by ClinVar (database versions not stated): 1000 Genomes Project 30x 0.00312; 1000 Genomes Project 0.00319; ESP Exome Variant Server 0.00391; gnomAD exomes 0.00599.

Submission:

CeGaT Center for Human Genetics Tuebingen
Classification: Likely benign. Last evaluated: 2023-01-01. Review status: criteria provided, single submitter. Criteria: CeGaT Center For Human Genetics Tuebingen Variant Classification Criteria Version 2. Collection method: clinical testing. Allele origin: germline. Affected: yes. Observed: 3 variant alleles.
Comment: NKD2: BP4, BS2

NM_033120.4(NKD2):c.956C>T (p.Thr319Met)

Gene: NKD2 (NKD inhibitor of Wnt signaling pathway 2; plus strand). Cytogenetic location: 5p15.33.
Variant type: single nucleotide variant.
Coding change: c.956C>T on transcript NM_033120.4 (MANE Select); coding-DNA position 956, C replaced by T.
Protein change: p.Thr319Met; replaces threonine 319 with methionine.
Molecular consequence: missense variant. On other transcripts: 3 prime UTR variant (1).
Genome position (GRCh38, 1-based): chr5:1,037,973, C>T. VCF-style: chr5-1037973-C-T. GRCh37 (hg19) VCF-style: chr5-1038088-C-T.
Other names: c.*199C>T (NM_001271082.2); short protein forms T319M.
Identifiers: ClinVar variation 2655263 (VCV002655263.24), dbSNP rs185789971, ClinGen allele CA3180709.